The following is an entry in ClinVar:

NM_000368.5(TSC1):c.640G>A (p.Glu214Lys)

Gene: TSC1 (TSC complex subunit 1; minus strand). Cytogenetic location: 9q34.13.
Variant type: single nucleotide variant.
Coding change: c.640G>A on transcript NM_000368.5 (MANE Select); coding-DNA position 640, G replaced by A.
Protein change: p.Glu214Lys; replaces glutamic acid 214 with lysine.
Molecular consequence: missense variant.
Genome position (GRCh38, 1-based): chr9:132,921,842, C>T on the plus strand (G>A on the coding strand, the complement: TSC1 is on the minus strand). VCF-style: chr9-132921842-C-T. GRCh37 (hg19) VCF-style: chr9-135797229-C-T.
Other names: c.640G>A, p.Glu214Lys (NM_001162426.2); c.487G>A, p.Glu163Lys (NM_001162427.2); c.277G>A, p.Glu93Lys (NM_001362177.2); short protein forms E163K, E93K, E214K.
Identifiers: ClinVar variation 958093 (VCV000958093.9), dbSNP rs1846577095, ClinGen allele CA375372327.

ClinVar aggregate classification (germline): Uncertain significance (1 of 4 stars; one submission).

Conditions:
Tuberous sclerosis 1 (TSC1). Identifiers: Orphanet 805, MedGen C1854465, MONDO:0008612, OMIM 191100.

Submission:

Labcorp Genetics (formerly Invitae), Labcorp
Classification: Uncertain significance for Tuberous sclerosis 1. Last evaluated: 2019-10-06. Review status: criteria provided, single submitter. Criteria: Invitae Variant Classification Sherloc (09022015). Collection method: clinical testing. Allele origin: germline.
Comment: In summary, the available evidence is currently insufficient to determine the role of this variant in disease. Therefore, it has been classified as a Variant of Uncertain Significance. Algorithms developed to predict the effect of missense changes on protein structure and function (SIFT, PolyPhen-2, Align-GVGD) all suggest that this variant is likely to be tolerated, but these predictions have not been confirmed by published functional studies and their clinical significance is uncertain. This variant has not been reported in the literature in individuals with TSC1-related conditions. This variant is not present in population databases (ExAC no frequency). This sequence change replaces glutamic acid with lysine at codon 214 of the TSC1 protein (p.Glu214Lys). The glutamic acid residue is moderately conserved and there is a small physicochemical difference between glutamic acid and lysine.